The following is an entry in ClinVar:

NM_018518.5(MCM10):c.2355C>T (p.Cys785=)

Gene: MCM10 (minichromosome maintenance 10 replication initiation factor; plus strand). Cytogenetic location: 10p13.
Variant type: single nucleotide variant.
Coding change: c.2355C>T on transcript NM_018518.5 (MANE Select); coding-DNA position 2355, C replaced by T.
Protein change: p.Cys785=; no amino-acid change (cysteine 785 retained).
Molecular consequence: synonymous variant.
Genome position (GRCh38, 1-based): chr10:13,204,221, C>T. VCF-style: chr10-13204221-C-T. GRCh37 (hg19) VCF-style: chr10-13246221-C-T.
Other names: c.2358C>T, p.Cys786= (NM_182751.3).
Identifiers: ClinVar variation 2640316 (VCV002640316.24), dbSNP rs536238621, ClinGen allele CA5411825.

ClinVar aggregate classification (germline): Likely benign (1 of 4 stars; one submission).

Allele frequency attached by ClinVar (database versions not stated): ExAC 0.00008; 1000 Genomes Project 30x 0.00016; 1000 Genomes Project 0.00020; TOPMed 0.00005; gnomAD 0.00007; gnomAD exomes 0.00007.
gnomAD v4.1: 121 of 1,613,894 alleles (0.0075%); highest among the groups gnomAD compares: Middle Eastern, 0.05%; no homozygotes.

Submission:

CeGaT Center for Human Genetics Tuebingen
Classification: Likely benign. Last evaluated: 2023-05-01. Review status: criteria provided, single submitter. Criteria: CeGaT Center For Human Genetics Tuebingen Variant Classification Criteria Version 2. Collection method: clinical testing. Allele origin: germline. Affected: yes. Observed: 1 variant allele.
Comment: MCM10: BP4, BP7